The following is an entry in ClinVar:

NM_002024.6(FMR1):c.631-3dup

Gene: FMR1 (fragile X messenger ribonucleoprotein 1; plus strand). Cytogenetic location: Xq27.3.
Variant type: Duplication.
Coding change: c.631-3dup on transcript NM_002024.6 (MANE Select); 3 bases into the intron before coding-DNA position 631, one base duplicated (C; older notation c.631-3dupC).
Molecular consequence: intron variant.
Genome position (GRCh38, 1-based): chrX:147,932,422, C duplicated. VCF-style (leftmost placement, unchanged base first): chrX-147932421-T-TC. GRCh37 (hg19) VCF-style: chrX-147013940-T-TC.
Other names: c.631-3dup (NM_001185075.2, NM_001185076.2, NM_001185082.2 and 1 more transcripts).
Identifiers: ClinVar variation 2230885 (VCV002230885.2), dbSNP rs2521361482, ClinGen allele CA2580101658.

ClinVar aggregate classification (germline): Uncertain significance (1 of 4 stars; one submission).

Conditions:
Inborn genetic diseases. Identifiers: MedGen C0950123, MeSH D030342.

Submission:

Ambry Genetics
Classification: Uncertain significance for Inborn genetic diseases. Last evaluated: 2021-05-27. Review status: criteria provided, single submitter. Criteria: Ambry Variant Classification Scheme 2023. Collection method: clinical testing. Allele origin: germline.
Comment: The c.631-3dupC alteration is located in Intron 7 (E) of the FMR1 gene. This alteration consists of a duplication of 1 nucleotides at nucleotide position c.631-3 within Intron 7 (E). Based on insufficient or conflicting evidence, the clinical significance of this alteration remains unclear.